The following is an entry in ClinVar:

NM_003072.5(SMARCA4):c.4393A>G (p.Ile1465Val)

Gene: SMARCA4 (SWI/SNF related BAF chromatin remodeling complex subunit ATPase 4; plus strand). Cytogenetic location: 19p13.2.
Variant type: single nucleotide variant.
Coding change: c.4393A>G on transcript NM_003072.5 (MANE Select); coding-DNA position 4393, A replaced by G.
Protein change: p.Ile1465Val; replaces isoleucine 1465 with valine.
Molecular consequence: missense variant. On other transcripts: non-coding transcript variant (1).
Genome position (GRCh38, 1-based): chr19:11,041,529, A>G. VCF-style: chr19-11041529-A-G. GRCh37 (hg19) VCF-style: chr19-11152205-A-G.
Other names: c.4390A>G, p.Ile1464Val (NM_001411150.1); c.4393A>G, p.Ile1465Val (NM_001128844.3); c.4303A>G, p.Ile1435Val (NM_001128845.2, NM_001128846.2); c.4294A>G, p.Ile1432Val (NM_001128847.4, NM_001128848.2, NM_001374457.1); c.4489A>G, p.Ile1497Val (NM_001128849.3, NM_001387283.1); short protein forms I1435V, I1464V, I1465V, I1432V, I1497V.
Identifiers: ClinVar variation 3320766 (VCV003320766.1).

ClinVar aggregate classification (germline): Uncertain significance (1 of 4 stars; one submission).

Conditions:
Hereditary cancer-predisposing syndrome. Also called: Neoplastic Syndromes, Hereditary; Tumor predisposition; Hereditary neoplastic syndrome; Hereditary Cancer Syndrome. Identifiers: Orphanet 140162, MedGen C0027672, MeSH D009386, MONDO:0015356.

Submission:

Ambry Genetics
Classification: Uncertain significance for Hereditary cancer-predisposing syndrome. Last evaluated: 2024-06-07. Review status: criteria provided, single submitter. Criteria: Ambry Variant Classification Scheme 2023. Collection method: clinical testing. Allele origin: germline.
Comment: The p.I1497V variant (also known as c.4489A>G), located in coding exon 30 of the SMARCA4 gene, results from an A to G substitution at nucleotide position 4489. The isoleucine at codon 1497 is replaced by valine, an amino acid with highly similar properties. This amino acid position is conserved. In addition, this alteration is predicted to be tolerated by in silico analysis. Based on the available evidence, the clinical significance of this variant remains unclear.